The following is an entry in ClinVar:

ClinVar aggregate classification (germline): Uncertain significance. Review status: criteria provided, multiple submitters, no conflicts (2 of 4 stars). 3 submissions from 3 submitters: Uncertain significance (3). Last evaluated 2025-05-10.

Conditions:
Early-infantile DEE. Also called: Early infantile epileptic encephalopathy with suppression bursts; Early infantile epileptic encephalopathy; Ohtahara syndrome. Identifiers: Orphanet 1934, MedGen C0393706, MONDO:0800491.
Cognitive impairment with or without cerebellar ataxia (CIAT). Identifiers: MedGen C3280415, MONDO:0013680, OMIM 614306.
Seizures, benign familial infantile, 5 (BFIS5). Also called: CONVULSIONS, BENIGN FAMILIAL INFANTILE, 5. Identifiers: Orphanet 306, MedGen C4310728, MONDO:0014903, OMIM 617080.
Developmental and epileptic encephalopathy, 13 (DEE13). Also called: SCN8A-Related Epilepsy; Developmental and Epileptic Encephalopathy (SCN8A-DEE); Early infantile epileptic encephalopathy 13. Identifiers: Orphanet 442835, MedGen C3281191, MONDO:0013801, OMIM 614558.

Allele frequency attached by ClinVar (database versions not stated): gnomAD exomes 0.00001 and 0.00002; gnomAD 0.00001; TOPMed 0.00001.
gnomAD v4.1: 32 of 1,610,540 alleles (0.002%); highest among the groups gnomAD compares: Non-Finnish European, 0.0027%; no homozygotes.

Submissions (3):

Labcorp Genetics (formerly Invitae), Labcorp
Classification: Uncertain significance for Early-infantile DEE. Last evaluated: 2025-05-10. Review status: criteria provided, single submitter. Criteria: Invitae Variant Classification Sherloc (09022015). Collection method: clinical testing. Allele origin: germline.
Comment: This sequence change replaces asparagine, which is neutral and polar, with histidine, which is basic and polar, at codon 153 of the SCN8A protein (p.Asn153His). This variant is present in population databases (rs796053232, gnomAD 0.002%). This variant has not been reported in the literature in individuals affected with SCN8A-related conditions. ClinVar contains an entry for this variant (Variation ID: 207139). Invitae Evidence Modeling of protein sequence and biophysical properties (such as structural, functional, and spatial information, amino acid conservation, physicochemical variation, residue mobility, and thermodynamic stability) indicates that this missense variant is not expected to disrupt SCN8A protein function with a negative predictive value of 95%. In summary, the available evidence is currently insufficient to determine the role of this variant in disease. Therefore, it has been classified as a Variant of Uncertain Significance.

Fulgent Genetics
Classification: Uncertain significance for Cognitive impairment with or without cerebellar ataxia; Developmental and epileptic encephalopathy, 13; Seizures, benign familial infantile, 5. Last evaluated: 2018-10-31. Review status: criteria provided, single submitter. Criteria: ACMG Guidelines, 2015. Collection method: clinical testing. Allele origin: unknown.

GeneDx
Classification: Uncertain significance. Last evaluated: 2017-10-23. Review status: criteria provided, single submitter. Criteria: GeneDx Variant Classification (06012015). Collection method: clinical testing. Allele origin: germline. Affected: yes.
Comment: p.Asn153His (AAC>CAC): c.457 A>C in exon 4 of the SCN8A gene (NM_014191.3). A variant of unknown significance has been identified in the SCN8A gene. The N153H variant has not been published as a mutation, nor has it been reported as a benign polymorphism to our knowledge. It was not observed in approximately 6,200 individuals of European and African American ancestry in the NHLBI Exome Sequencing Project, indicating it is not a common benign variant in these populations. This substitution alters a highly conserved position predicted to be within the extracellular loop between the S1 and S2 transmembrane segments of the first homologous domain. The N153H variant is a semi-conservative amino acid substitution, which may impact secondary protein structure as these residues differ in some properties. In silico analysis is inconsistent in its predictions as to whether or not the variant is damaging to the protein structure/function. Therefore, based on the currently available information, it is unclear whether this variant is a pathogenic mutation or a rare benign variant. The variant is found in EPILEPSY panel(s).

NM_001330260.2(SCN8A):c.457A>C (p.Asn153His)

Gene: SCN8A (sodium voltage-gated channel alpha subunit 8; plus strand). Cytogenetic location: 12q13.13.
Variant type: single nucleotide variant.
Coding change: c.457A>C on transcript NM_001330260.2 (MANE Select); coding-DNA position 457, A replaced by C.
Protein change: p.Asn153His; replaces asparagine 153 with histidine.
Molecular consequence: missense variant.
Genome position (GRCh38, 1-based): chr12:51,686,429, A>C. VCF-style: chr12-51686429-A-C. GRCh37 (hg19) VCF-style: chr12-52080213-A-C.
Other names: p.N153H:AAC>CAC; c.457A>C, p.Asn153His (NM_001177984.3, NM_001369788.1, NM_014191.4); short protein forms N153H.
Identifiers: ClinVar variation 207139 (VCV000207139.13), dbSNP rs796053232, ClinGen allele CA318315.
Genomic context (GRCh38, chr12:51,686,429, plus strand): 5'-GTATTTAGCATGATCATTATGTGCACTATTTTGACCAACTGTGTATTCATGACTTTTAGT[A>C]ACCCTCCTGACTGGTCGAAGAATGTGGAGTAAGTAACTCATTTATGTGTGTGCTTGTTTG-3'
Protein context (NP_001317189.1, residues 143-163): LTNCVFMTFS[Asn153His]PPDWSKNVEY